The following is an entry in ClinVar:

ClinVar aggregate classification (germline): Likely benign (1 of 4 stars; one submission).

Allele frequency attached by ClinVar (database versions not stated): gnomAD 0.01035 and 0.01107; 1000 Genomes Project 30x 0.01124; 1000 Genomes Project 0.01138; TOPMed 0.01241.
gnomAD v4.1: 1,564 of 152,296 alleles (1%); highest among the groups gnomAD compares: African/African-American, 3.6%; 26 homozygotes.

Submission:

GeneDx
Classification: Likely benign. Last evaluated: 2018-06-16. Review status: criteria provided, single submitter. Criteria: GeneDx Variant Classification (06012015). Collection method: clinical testing. Allele origin: germline. Affected: yes.
Comment: This variant is considered likely benign or benign based on one or more of the following criteria: it is a conservative change, it occurs at a poorly conserved position in the protein, it is predicted to be benign by multiple in silico algorithms, and/or has population frequency not consistent with disease.

NM_001103.4(ACTN2):c.536+223G>A

Gene: ACTN2 (actinin alpha 2; plus strand). Cytogenetic location: 1q43.
Variant type: single nucleotide variant.
Coding change: c.536+223G>A on transcript NM_001103.4 (MANE Select); 223 bases into the intron after coding-DNA position 536, G replaced by A.
Molecular consequence: intron variant.
Genome position (GRCh38, 1-based): chr1:236,726,243, G>A. VCF-style: chr1-236726243-G-A. GRCh37 (hg19) VCF-style: chr1-236889543-G-A.
Other names: c.-286+223G>A (NM_001278344.2); c.536+223G>A (NM_001278343.2).
Identifiers: ClinVar variation 679041 (VCV000679041.1), dbSNP rs77599478, ClinGen allele CA39714323.